The following continues an entry in ClinVar:

NM_003060.4(SLC22A5):c.695C>T (p.Thr232Met)

Gene: SLC22A5. ClinVar aggregate classification (germline): Pathogenic/Likely pathogenic. Pathogenic (17); Likely pathogenic (2).

Submissions 15 to 20 of 20:

ARUP Laboratories, Molecular Genetics and Genomics, ARUP Laboratories
Classification: Pathogenic for Renal carnitine transport defect. Last evaluated: 2018-11-16. Review status: criteria provided, single submitter. Criteria: ARUP Molecular Germline Variant Investigation Process. Collection method: clinical testing. Allele origin: germline.
Comment: The SLC22A5 c.695C>T; p.Thr232Met variant (rs114269482) has been described in the compound heterozygous state individuals with primary carnitine deficiency (Amat di San Filippo 2006, Dobrowolski 2005, Li 2010). It is reported as pathogenic in ClinVar (Variation ID: 25386), and is observed in the general population at an overall frequency of 0.01% (28/282898 alleles) in the Genome Aggregation Database. The threonine at codon 232 is highly conserved, and computational algorithms (PolyPhen-2, SIFT) predict that this variant is deleterious. Additionally, in vitro functional studies of the variant protein demonstrate impaired carnitine transport (Amat di San Filippo 2006, Dobrowolski 2005). Based on available information, this variant is considered pathogenic. REFERENCES Amat di San Filippo C et al. Pharmacological rescue of carnitine transport in primary carnitine deficiency. Hum Mutat. 2006 Jun;27(6):513-23. Dobrowolski SF et al. Validation of dye-binding/high-resolution thermal denaturation for the identification of mutations in the SLC22A5 gene. Hum Mutat. 2005 Mar;25(3):306-13. Li F et al. Molecular spectrum of SLC22A5 (OCTN2) gene mutations detected in 143 subjects evaluated for systemic carnitine deficiency. Hum Mutat. 2010 Aug;31(8):E1632-51.

Institute for Genomic Medicine (IGM) Clinical Laboratory, Nationwide Children's Hospital
Classification: Pathogenic for Renal carnitine transport defect. Last evaluated: 2018-10-09. Review status: criteria provided, single submitter. Criteria: ACMG Guidelines, 2015. Collection method: clinical testing. Allele origin: germline. Affected: yes.
Comment: [ACMG/AMP: PS3, PM_PS4, PM2, PP3, PP5] This alteration is supported by well-established in vitro or in vivo functional studies to have a damaging effect on protein function or splicing [PS3], is absent from or rarely observed in large-scale population databases [PM2], is predicted to be damaging by multiple functional prediction tools [PP3], was reported as a pathogenic/likely pathogenic alteration by a reputable source (ClinVar or other correspondence from a clinical testing laboratory) [PP5].

Illumina Laboratory Services, Illumina
Classification: Pathogenic for Renal carnitine transport defect. Last evaluated: 2017-04-28. Review status: criteria provided, single submitter. Criteria: ICSL Variant Classification Criteria 09 May 2019. Collection method: clinical testing. Allele origin: germline.
Comment: The SLC22A5 c.695C>T (p.Thr232Met) missense variant has been reported in five studies and is found in a total of 12 patients with systemic primary carnitine deficiency, including in nine patients in a compound heterozygous state, in one in a heterozygous state, and in two patients with unknown zygosity (Dobrowolski et al. 2005; Li et al. 2010; El-Hattab et al. 2010; Rose et al. 2012; Chen et al. 2013). The phenotype of this condition is known to be variable and some affected individuals remain asymptomatic despite deficiency of carnitine transport. The 12 patients included two mothers who were tested due to abnormal newborn screening results in their infants (El-Hattab et al. 2010; Rose et al. 2012). Control data are unavailable for the p.Thr232Met variant, which is reported at a frequency of 0.0006 in the All population of the 1000 Genomes Project. Fibroblasts derived from patients with the p.Thr232Met variant showed defective carnitine transport (Dobrowolski et al. 2005). Further, CHO cells transfected with the p.Thr232Met variant had reduced carnitine transport activity (Dobrowolski et al. 2005). Based on the evidence, the p.Thr232Met variant is classified as pathogenic for systemic primary carnitine deficiency. This variant was observed by ICSL as part of a predisposition screen in an ostensibly healthy population.

Eurofins Ntd Llc (ga)
Classification: Pathogenic. Last evaluated: 2016-02-01. Review status: criteria provided, single submitter. Criteria: EGL Classification Definitions 2015. Collection method: clinical testing. Allele origin: germline. Observed: 8 variant alleles, 8 heterozygotes.

Juno Genomics, Hangzhou Juno Genomics, Inc
Classification: Pathogenic for Renal carnitine transport defect. Review status: criteria provided, single submitter. Criteria: ACMG Guidelines, 2015. Collection method: clinical testing. Allele origin: germline.
Comment: Absent from controls (or at extremely low frequency if recessive) in Genome Aggregation Database.;Well-established in vitro or in vivo functional studies supportive of a damaging effect on the gene or gene product.;For recessive disorders, detected in trans with a pathogenic variant.;Patient's phenotype or family history is highly specific for a disease with a single genetic etiology.

Counsyl
Classification: Likely pathogenic for Renal carnitine transport defect. Last evaluated: 2019-06-04. Review status: no assertion criteria provided. Collection method: clinical testing. Allele origin: unknown. Not counted in ClinVar's aggregate classification.

Literature cited by the submitters: PubMed 15714519 (cited by 7 submitters); PubMed 20574985 (cited by 6 submitters); PubMed 23520115 (cited by 3 submitters); PubMed 21922592 (cited by 3 submitters); PubMed 28841266 (cited by 3 submitters); PubMed 16652335 (cited by 3 submitters); PubMed 20027113 (cited by 3 submitters); PubMed 29750726 (cited by Mayo Clinic Laboratories, Mayo Clinic); PubMed 32371413 (cited by Mayo Clinic Laboratories, Mayo Clinic); PubMed 32778825 (cited by Mayo Clinic Laboratories, Mayo Clinic); PubMed 33181153 (cited by Mayo Clinic Laboratories, Mayo Clinic); PubMed 33560599 (cited by Mayo Clinic Laboratories, Mayo Clinic); PubMed 33757571 (cited by Mayo Clinic Laboratories, Mayo Clinic); PubMed 34704412 (cited by Mayo Clinic Laboratories, Mayo Clinic); PubMed 34863234 (cited by Mayo Clinic Laboratories, Mayo Clinic); PubMed 27931018 (cited by Counsyl).